The following is an entry in ClinVar:

ClinVar aggregate classification (germline): Uncertain significance. Review status: criteria provided, multiple submitters, no conflicts (2 of 4 stars). 2 submissions from 2 submitters: Uncertain significance (2). Last evaluated 2025-03-11.

Conditions:
Hereditary cancer-predisposing syndrome. Also called: Neoplastic Syndromes, Hereditary; Tumor predisposition; Hereditary Cancer Syndrome; Hereditary neoplastic syndrome. Identifiers: Orphanet 140162, MedGen C0027672, MeSH D009386, MONDO:0015356.
Familial cancer of breast. Also called: BREAST CANCER, FAMILIAL; Hereditary breast cancer; hereditary breast carcinoma. Identifiers: Orphanet 227535, MedGen C0346153, MONDO:0016419, OMIM 114480. Disease mechanism: loss of function.

Submissions (2):

Labcorp Genetics (formerly Invitae), Labcorp
Classification: Uncertain significance for Familial cancer of breast. Last evaluated: 2025-03-11. Review status: criteria provided, single submitter. Criteria: Invitae Variant Classification Sherloc (09022015). Collection method: clinical testing. Allele origin: germline.
Comment: This sequence change replaces proline, which is neutral and non-polar, with threonine, which is neutral and polar, at codon 1112 of the PALB2 protein (p.Pro1112Thr). This variant is not present in population databases (gnomAD no frequency). This variant has not been reported in the literature in individuals affected with PALB2-related conditions. ClinVar contains an entry for this variant (Variation ID: 3413452). An algorithm developed to predict the effect of missense changes on protein structure and function (PolyPhen-2) suggests that this variant is likely to be tolerated. In summary, the available evidence is currently insufficient to determine the role of this variant in disease. Therefore, it has been classified as a Variant of Uncertain Significance.

Ambry Genetics
Classification: Uncertain significance for Hereditary cancer-predisposing syndrome. Last evaluated: 2024-08-12. Review status: criteria provided, single submitter. Criteria: Ambry Variant Classification Scheme 2023. Collection method: clinical testing. Allele origin: germline.
Comment: The p.P1112T variant (also known as c.3334C>A), located in coding exon 12 of the PALB2 gene, results from a C to A substitution at nucleotide position 3334. The proline at codon 1112 is replaced by threonine, an amino acid with highly similar properties. This amino acid position is conserved. In addition, this alteration is predicted to be tolerated by in silico analysis. Based on the available evidence, the clinical significance of this variant remains unclear.

NM_024675.4(PALB2):c.3334C>A (p.Pro1112Thr)

Gene: PALB2 (partner and localizer of BRCA2; minus strand). Cytogenetic location: 16p12.2.
Variant type: single nucleotide variant.
Coding change: c.3334C>A on transcript NM_024675.4 (MANE Select); coding-DNA position 3334, C replaced by A.
Protein change: p.Pro1112Thr; replaces proline 1112 with threonine.
Molecular consequence: missense variant. On other transcripts: intron variant (8).
Genome position (GRCh38, 1-based): chr16:23,607,880, G>T on the plus strand (C>A on the coding strand, the complement: PALB2 is on the minus strand). VCF-style: chr16-23607880-G-T. GRCh37 (hg19) VCF-style: chr16-23619201-G-T.
Other names: c.3274C>A, p.Pro1092Thr (NM_001407296.1); c.3262C>A, p.Pro1088Thr (NM_001407297.1); c.3172C>A, p.Pro1058Thr (NM_001407298.1); c.3055C>A, p.Pro1019Thr (NM_001407300.1); c.2449C>A, p.Pro817Thr (NM_001407304.1, NM_001407305.1, NM_001407306.1); c.2287C>A, p.Pro763Thr (NM_001407307.1); c.1546C>A, p.Pro516Thr (NM_001407312.1); c.868C>A, p.Pro290Thr (NM_001407314.1); and 6 more; short protein forms P290T, P516T, P1088T, P1092T, P1112T, P763T, P817T, P1019T.
Identifiers: ClinVar variation 3413452 (VCV003413452.2).